The following is an entry in ClinVar:

ClinVar aggregate classification (germline): Uncertain significance. Review status: criteria provided, multiple submitters, no conflicts (2 of 4 stars). 5 submissions from 5 submitters: Uncertain significance (5). Last evaluated 2024-03-18.

Conditions:
Hyperphosphatasia with impaired intellectual development syndrome 2. Also called: GLYCOSYLPHOSPHATIDYLINOSITOL BIOSYNTHESIS DEFECT 6; Hyperphosphatasia with intellectual disability syndrome 2. Identifiers: Orphanet 247262, MedGen C3553637, MONDO:0013882, OMIM 614749.
Inborn genetic diseases. Identifiers: MedGen C0950123, MeSH D030342.

Allele frequency attached by ClinVar (database versions not stated): gnomAD 0.00003; gnomAD exomes 0.00002; TOPMed 0.00002.
gnomAD v4.1: 29 of 1,614,250 alleles (0.0018%); highest among the groups gnomAD compares: Non-Finnish European, 0.0024%; no homozygotes.

Submissions (5):

GeneDx
Classification: Uncertain significance. Last evaluated: 2024-03-18. Review status: criteria provided, single submitter. Criteria: GeneDx Variant Classification Process June 2021. Collection method: clinical testing. Allele origin: germline. Affected: yes.
Comment: In silico analysis supports that this missense variant does not alter protein structure/function; Has not been previously published as pathogenic or benign to our knowledge

Ambry Genetics
Classification: Uncertain significance for Inborn genetic diseases. Last evaluated: 2024-01-17. Review status: criteria provided, single submitter. Criteria: Ambry Variant Classification Scheme 2023. Collection method: clinical testing. Allele origin: germline.

Blueprint Genetics
Classification: Uncertain significance. Last evaluated: 2022-09-27. Review status: criteria provided, single submitter. Criteria: ACMG Guidelines, 2015. Collection method: clinical testing. Allele origin: germline.

Labcorp Genetics (formerly Invitae), Labcorp
Classification: Uncertain significance for Hyperphosphatasia with impaired intellectual development syndrome 2. Last evaluated: 2021-08-24. Review status: criteria provided, single submitter. Criteria: Invitae Variant Classification Sherloc (09022015). Collection method: clinical testing. Allele origin: germline.
Comment: This sequence change replaces leucine with valine at codon 508 of the PIGO protein (p.Leu508Val). The leucine residue is weakly conserved and there is a small physicochemical difference between leucine and valine. This variant is not present in population databases (ExAC no frequency). This variant has not been reported in the literature in individuals affected with PIGO-related conditions. ClinVar contains an entry for this variant (Variation ID: 914824). Algorithms developed to predict the effect of missense changes on protein structure and function output the following: SIFT: "Tolerated"; PolyPhen-2: "Benign"; Align-GVGD: "Class C0". The valine amino acid residue is found in multiple mammalian species, which suggests that this missense change does not adversely affect protein function. Algorithms developed to predict the effect of sequence changes on RNA splicing suggest that this variant may create or strengthen a splice site. In summary, the available evidence is currently insufficient to determine the role of this variant in disease. Therefore, it has been classified as a Variant of Uncertain Significance.

Illumina Laboratory Services, Illumina
Classification: Uncertain significance for Hyperphosphatasia with impaired intellectual development syndrome 2. Last evaluated: 2018-01-13. Review status: criteria provided, single submitter. Criteria: ICSL Variant Classification Criteria 13 December 2019. Collection method: clinical testing. Allele origin: germline.

NM_032634.4(PIGO):c.1522C>G (p.Leu508Val)

Gene: PIGO (phosphatidylinositol glycan anchor biosynthesis class O; minus strand). Cytogenetic location: 9p13.3.
Variant type: single nucleotide variant.
Coding change: c.1522C>G on transcript NM_032634.4 (MANE Select); coding-DNA position 1522, C replaced by G.
Protein change: p.Leu508Val; replaces leucine 508 with valine.
Molecular consequence: missense variant. On other transcripts: intron variant (2).
Genome position (GRCh38, 1-based): chr9:35,092,365, G>C on the plus strand (C>G on the coding strand, the complement: PIGO is on the minus strand). VCF-style: chr9-35092365-G-C. GRCh37 (hg19) VCF-style: chr9-35092362-G-C.
Other names: c.1344+178C>G (NM_152850.4, NM_001201484.2); short protein forms L508V.
Identifiers: ClinVar variation 914824 (VCV000914824.11), dbSNP rs1398099043, ClinGen allele CA373321950.